The following is an entry in ClinVar:

NM_006767.4(LZTR1):c.2220-1G>A

Gene: LZTR1 (leucine zipper like post translational regulator 1; plus strand). Cytogenetic location: 22q11.21.
Variant type: single nucleotide variant.
Coding change: c.2220-1G>A on transcript NM_006767.4 (MANE Select); the canonical splice acceptor site of the intron before coding-DNA position 2220, G replaced by A.
Molecular consequence: splice acceptor variant.
Genome position (GRCh38, 1-based): chr22:20,996,695, G>A. VCF-style: chr22-20996695-G-A. GRCh37 (hg19) VCF-style: chr22-21350984-G-A.
Other names: c.2220-1G>A (NM_006767.3).
Identifiers: ClinVar variation 3716641 (VCV003716641.4).

ClinVar aggregate classification (germline): Conflicting classifications of pathogenicity. Review status: criteria provided, conflicting classifications (1 of 4 stars). 2 submissions from 2 submitters: Likely pathogenic (1); Uncertain significance (1). Last evaluated 2026-06-22.

Conditions:
Hereditary cancer-predisposing syndrome. Also called: Tumor predisposition; Hereditary neoplastic syndrome; Hereditary Cancer Syndrome; Neoplastic Syndromes, Hereditary. Identifiers: Orphanet 140162, MedGen C0027672, MeSH D009386, MONDO:0015356.
Cardiovascular phenotype. Identifiers: MedGen CN230736.

gnomAD v4.1: 1 of 1,613,346 alleles (0.000062%); no homozygotes.

Submissions (2):

Ambry Genetics
Classification: Uncertain significance for Cardiovascular phenotype; Hereditary cancer-predisposing syndrome. Last evaluated: 2026-06-22. Review status: criteria provided, single submitter. Criteria: Ambry Variant Classification Scheme 2023. Collection method: clinical testing. Allele origin: germline.
Comment: The c.2220-1G>A intronic variant results from a G to A substitution one nucleotide upstream from coding exon 19 of the LZTR1 gene. This nucleotide position is highly conserved in available vertebrate species. This alteration is located within a U12-type intron and in silico tools are not reliable predictors of splice sites in this type of intron. In addition, direct RNA evidence is insufficient at this time (Ambry internal data). Since supporting evidence is limited at this time, the clinical significance of this alteration remains unclear.

Labcorp Genetics (formerly Invitae), Labcorp
Classification: Likely pathogenic. Last evaluated: 2025-03-18. Review status: criteria provided, single submitter. Criteria: Invitae Variant Classification Sherloc (09022015). Collection method: clinical testing. Allele origin: germline.
Comment: This sequence change affects an acceptor splice site in intron 18 of the LZTR1 gene. It is expected to disrupt RNA splicing. Variants that disrupt the donor or acceptor splice site typically lead to a loss of protein function (PMID: 16199547), and loss-of-function variants in LZTR1 are known to be pathogenic (PMID: 24362817, 25335493, 25480913, 25795793, 29469822, 30368668, 30442762, 30442766, 30481304, 30859559). This variant is not present in population databases (gnomAD no frequency). This variant has not been reported in the literature in individuals affected with LZTR1-related conditions. Algorithms developed to predict the effect of sequence changes on RNA splicing suggest that this variant may disrupt the consensus splice site. In summary, the currently available evidence indicates that the variant is pathogenic, but additional data are needed to prove that conclusively. Therefore, this variant has been classified as Likely Pathogenic.

Literature cited by the submitters: PubMed 16199547 (cited by Labcorp Genetics (formerly Invitae), Labcorp); PubMed 24362817 (cited by Labcorp Genetics (formerly Invitae), Labcorp); PubMed 25335493 (cited by Labcorp Genetics (formerly Invitae), Labcorp); PubMed 25480913 (cited by Labcorp Genetics (formerly Invitae), Labcorp); PubMed 25795793 (cited by Labcorp Genetics (formerly Invitae), Labcorp); PubMed 29469822 (cited by Labcorp Genetics (formerly Invitae), Labcorp); PubMed 30368668 (cited by Labcorp Genetics (formerly Invitae), Labcorp); PubMed 30442762 (cited by Labcorp Genetics (formerly Invitae), Labcorp); PubMed 30442766 (cited by Labcorp Genetics (formerly Invitae), Labcorp); PubMed 30481304 (cited by Labcorp Genetics (formerly Invitae), Labcorp); PubMed 30859559 (cited by Labcorp Genetics (formerly Invitae), Labcorp).